The following is an entry in ClinVar:

NM_002234.4(KCNA5):c.1601T>G (p.Val534Gly)

Gene: KCNA5 (potassium voltage-gated channel subfamily A member 5; plus strand). Cytogenetic location: 12p13.32.
Variant type: single nucleotide variant.
Coding change: c.1601T>G on transcript NM_002234.4 (MANE Select); coding-DNA position 1601, T replaced by G.
Protein change: p.Val534Gly; replaces valine 534 with glycine.
Molecular consequence: missense variant.
Genome position (GRCh38, 1-based): chr12:5,045,748, T>G. VCF-style: chr12-5045748-T-G. GRCh37 (hg19) VCF-style: chr12-5154914-T-G.
Other names: short protein forms V534G.
Identifiers: ClinVar variation 4745137 (VCV004745137.1).
Genomic context (GRCh38, chr12:5,045,748, plus strand): 5'-TCATCGTCTCCAACTTCAACTACTTCTACCACCGGGAAACGGATCACGAGGAGCCGGCAG[T>G]CCTTAAGGAAGAGCAGGGCACTCAGAGCCAGGGGCCGGGGCTGGACAGAGGAGTCCAGCG-3'
Protein context (NP_002225.2, residues 524-544): HRETDHEEPA[Val534Gly]LKEEQGTQSQ

ClinVar aggregate classification (germline): Uncertain significance (1 of 4 stars; one submission).

Conditions:
Atrial fibrillation, familial, 7 (ATFB7). Identifiers: MedGen C2677106, MONDO:0012828, OMIM 612240.

Submission:

Labcorp Genetics (formerly Invitae), Labcorp
Classification: Uncertain significance for Atrial fibrillation, familial, 7. Last evaluated: 2026-01-31. Review status: criteria provided, single submitter. Criteria: Invitae Variant Classification Sherloc (09022015). Collection method: clinical testing. Allele origin: germline.
Comment: This sequence change replaces valine, which is neutral and non-polar, with glycine, which is neutral and non-polar, at codon 534 of the KCNA5 protein (p.Val534Gly). This variant is not present in population databases (gnomAD no frequency). This variant has not been reported in the literature in individuals affected with KCNA5-related conditions. Invitae Evidence Modeling of protein sequence and biophysical properties (such as structural, functional, and spatial information, amino acid conservation, physicochemical variation, residue mobility, and thermodynamic stability) indicates that this missense variant is not expected to disrupt KCNA5 protein function with a negative predictive value of 80%. In summary, the available evidence is currently insufficient to determine the role of this variant in disease. Therefore, it has been classified as a Variant of Uncertain Significance.